The following is an entry in ClinVar:

ClinVar aggregate classification (germline): Uncertain significance (1 of 4 stars; one submission).

Conditions:
Hereditary spastic paraplegia 11. Also called: Spastic Paraplegia 11; Spastic paraplegia, mental retardation and thin corpus callosum; SPASTIC PARAPLEGIA, AUTOSOMAL RECESSIVE, COMPLICATED, WITH THIN CORPUS CALLOSUM; SPASTIC PARAPLEGIA, AUTOSOMAL RECESSIVE, WITH MENTAL IMPAIRMENT AND THIN CORPUS CALLOSUM; Nakamura Osame syndrome; Autosomal recessive hereditary spastic paraplegia, mental impairment, and thin corpus callosum. Identifiers: Orphanet 2822, MedGen C1858479, MONDO:0011445, OMIM 604360.

gnomAD v4.1: 1 of 1,606,580 alleles (0.000062%); highest among the groups gnomAD compares: Non-Finnish European, 0.000085%; no homozygotes.

Submission:

Labcorp Genetics (formerly Invitae), Labcorp
Classification: Uncertain significance for Hereditary spastic paraplegia 11. Last evaluated: 2022-08-23. Review status: criteria provided, single submitter. Criteria: Invitae Variant Classification Sherloc (09022015). Collection method: clinical testing. Allele origin: germline.
Comment: In summary, the available evidence is currently insufficient to determine the role of this variant in disease. Therefore, it has been classified as a Variant of Uncertain Significance. Algorithms developed to predict the effect of missense changes on protein structure and function (SIFT, PolyPhen-2, Align-GVGD) all suggest that this variant is likely to be disruptive. ClinVar contains an entry for this variant (Variation ID: 1434438). This variant has not been reported in the literature in individuals affected with SPG11-related conditions. This variant is not present in population databases (gnomAD no frequency). This sequence change replaces phenylalanine, which is neutral and non-polar, with serine, which is neutral and polar, at codon 2185 of the SPG11 protein (p.Phe2185Ser).

NM_025137.4(SPG11):c.6554T>C (p.Phe2185Ser)

Gene: SPG11 (SPG11 vesicle trafficking associated, spatacsin; minus strand). Cytogenetic location: 15q21.1.
Variant type: single nucleotide variant.
Coding change: c.6554T>C on transcript NM_025137.4 (MANE Select); coding-DNA position 6554, T replaced by C.
Protein change: p.Phe2185Ser; replaces phenylalanine 2185 with serine.
Molecular consequence: missense variant.
Genome position (GRCh38, 1-based): chr15:44,569,429, A>G on the plus strand (T>C on the coding strand, the complement: SPG11 is on the minus strand). VCF-style: chr15-44569429-A-G. GRCh37 (hg19) VCF-style: chr15-44861627-A-G.
Other names: c.6215T>C, p.Phe2072Ser (NM_001160227.2); short protein forms F2072S, F2185S.
Identifiers: ClinVar variation 1434438 (VCV001434438.6), dbSNP rs2140920863, ClinGen allele CA392215806.
Genomic context (GRCh38, chr15:44,569,429, plus strand): 5'-CATCCTGGAGCTCATTACTTTGCACCTACCGGATCCAACTTCTTCCTCATTAGCACTTCA[A>G]AGTAGTGCTTTTTATGCAGCAAATCAAATATGTATGTCATCTCGTTGTACCTTCCAATGC-3'
Protein context (NP_079413.3, residues 2175-2195): IFDLLHKKHY[Phe2185Ser]EVLMRKKLDP